The following is an entry in ClinVar:

ClinVar aggregate classification (germline): Uncertain significance (1 of 4 stars; one submission).

Submission:

GeneDx
Classification: Uncertain significance. Last evaluated: 2017-08-01. Review status: criteria provided, single submitter. Criteria: GeneDx Variant Classification (06012015). Collection method: clinical testing. Allele origin: germline. Affected: yes.
Comment: The c.2979 G>C variant in the CACNA1G gene has not been reported previously as a pathogenic variant, nor as a benign variant, to our knowledge. This variant is not observed in large population cohorts (Lek et al., 2016; 1000 Genomes Consortium et al., 2015; Exome Variant Server). In silico analysis predicts that c.2979 G>C destroys the natural splice donor site in intron 14. However, in the absence of RNA/functional studies, the actual effect of the c.2979 G>C in this individual is unknown. We interpret c.2979 G>C as a variant of uncertain significance.

NM_018896.5(CACNA1G):c.2979G>C (p.Gly993=)

Gene: CACNA1G (calcium voltage-gated channel subunit alpha1 G; plus strand). Cytogenetic location: 17q21.33.
Variant type: single nucleotide variant.
Coding change: c.2979G>C on transcript NM_018896.5 (MANE Select); coding-DNA position 2979, G replaced by C.
Protein change: p.Gly993=; no amino-acid change (glycine 993 retained).
Molecular consequence: synonymous variant. On other transcripts: non-coding transcript variant (3), intron variant (8).
Genome position (GRCh38, 1-based): chr17:50,595,061, G>C. VCF-style: chr17-50595061-G-C. GRCh37 (hg19) VCF-style: chr17-48672422-G-C.
Other names: c.2979G>C, p.Gly993= (NM_001256324.2, NM_001256325.2, NM_001256326.2 and 16 more transcripts); c.2911-1501G>C (NM_198396.3, NM_198379.3, NM_198387.3 and 5 more transcripts).
Identifiers: ClinVar variation 450817 (VCV000450817.2), dbSNP rs1555660975, ClinGen allele CA500872367.